The following is an entry in ClinVar:

NM_000292.3(PHKA2):c.3080C>T (p.Ala1027Val)

Gene: PHKA2 (phosphorylase kinase regulatory subunit alpha 2; minus strand). Cytogenetic location: Xp22.13.
Variant type: single nucleotide variant.
Coding change: c.3080C>T on transcript NM_000292.3 (MANE Select); coding-DNA position 3080, C replaced by T.
Protein change: p.Ala1027Val; replaces alanine 1027 with valine.
Molecular consequence: missense variant.
Genome position (GRCh38, 1-based): chrX:18,899,204, G>A on the plus strand (C>T on the coding strand, the complement: PHKA2 is on the minus strand). VCF-style: chrX-18899204-G-A. GRCh37 (hg19) VCF-style: chrX-18917322-G-A.
Other names: short protein forms A1027V.
Identifiers: ClinVar variation 3768344 (VCV003768344.1).
Genomic context (GRCh38, chrX:18,899,204, plus strand): 5'-CGGACACAATAATCCCGAGGCACTGTTACCGCAGACTTGGAGGAATGCGCACTGCTGGAC[G>A]CGGCCTGGCCCACAGAAAAGAACTACAAAACAAAAAGAATCCACTCAGTTGACAGCAATG-3'
Protein context (NP_000283.1, residues 1017-1037): DEQFFSVGQA[Ala1027Val]SSSAHSSKSA

ClinVar aggregate classification (germline): Uncertain significance (1 of 4 stars; one submission).

gnomAD v4.1: 12 of 1,208,354 alleles (0.00099%); highest among the groups gnomAD compares: Non-Finnish European, 0.001%; no homozygotes.

Submission:

Women's Health and Genetics/Laboratory Corporation of America, LabCorp
Classification: Uncertain significance. Last evaluated: 2024-12-02. Review status: criteria provided, single submitter. Criteria: LabCorp Variant Classification Summary - May 2015. Collection method: clinical testing. Allele origin: germline.
Comment: Variant summary: PHKA2 c.3080C>T (p.Ala1027Val) results in a non-conservative amino acid change in the encoded protein sequence. Four of five in-silico tools predict a benign effect of the variant on protein function. The variant allele was found at a frequency of 5.5e-06 in 182875 control chromosomes. The available data on variant occurrences in the general population are insufficient to allow any conclusion about variant significance. To our knowledge, no occurrence of c.3080C>T in individuals affected with Glycogen Storage Disease, Type IXa1 and no experimental evidence demonstrating its impact on protein function have been reported. No submitters have cited clinical-significance assessments for this variant to ClinVar. Based on the evidence outlined above, the variant was classified as uncertain significance.